The following is an entry in ClinVar:

ClinVar aggregate classification (germline): Uncertain significance (1 of 4 stars; one submission).

Conditions:
Nemaline myopathy 5 (NEM5A). Also called: NEMALINE MYOPATHY 5A, AUTOSOMAL RECESSIVE, SEVERE INFANTILE; Nemaline myopathy 5, Amish type; NEMALINE MYOPATHY, AMISH TYPE. Identifiers: Orphanet 98902, MedGen C1854380, MONDO:0011539, OMIM 605355.

Allele frequency attached by ClinVar (database versions not stated): ExAC below 0.00001; TOPMed 0.00001; gnomAD 0.00003 and 0.00004; 1000 Genomes Project 30x 0.00016; 1000 Genomes Project 0.00020.
gnomAD v4.1: 48 of 1,602,700 alleles (0.003%); highest among the groups gnomAD compares: Non-Finnish European, 0.0039%; no homozygotes.

Submission:

Labcorp Genetics (formerly Invitae), Labcorp
Classification: Uncertain significance for Nemaline myopathy 5. Last evaluated: 2022-06-20. Review status: criteria provided, single submitter. Criteria: Invitae Variant Classification Sherloc (09022015). Collection method: clinical testing. Allele origin: germline.
Comment: This sequence change replaces alanine, which is neutral and non-polar, with threonine, which is neutral and polar, at codon 268 of the TNNT1 protein (p.Ala268Thr). The frequency data for this variant in the population databases is considered unreliable, as metrics indicate poor data quality at this position in the gnomAD database. This variant has not been reported in the literature in individuals affected with TNNT1-related conditions. ClinVar contains an entry for this variant (Variation ID: 465999). Algorithms developed to predict the effect of missense changes on protein structure and function are either unavailable or do not agree on the potential impact of this missense change (SIFT: "Tolerated"; PolyPhen-2: "Probably Damaging"; Align-GVGD: "Class C0"). In summary, the available evidence is currently insufficient to determine the role of this variant in disease. Therefore, it has been classified as a Variant of Uncertain Significance.

NM_003283.6(TNNT1):c.802G>A (p.Ala268Thr)

Gene: TNNT1 (troponin T1, slow skeletal type; minus strand). Cytogenetic location: 19q13.42.
Variant type: single nucleotide variant.
Coding change: c.802G>A on transcript NM_003283.6 (MANE Select); coding-DNA position 802, G replaced by A.
Protein change: p.Ala268Thr; replaces alanine 268 with threonine.
Molecular consequence: missense variant.
Genome position (GRCh38, 1-based): chr19:55,132,950, C>T on the plus strand (G>A on the coding strand, the complement: TNNT1 is on the minus strand). VCF-style: chr19-55132950-C-T. GRCh37 (hg19) VCF-style: chr19-55644318-C-T.
Other names: c.754G>A, p.Ala252Thr (NM_001126132.3); c.721G>A, p.Ala241Thr (NM_001126133.3, NM_001291774.2); short protein forms A268T, A252T, A241T.
Identifiers: ClinVar variation 465999 (VCV000465999.6), dbSNP rs200340030, ClinGen allele CA9667215.